The following is an entry in ClinVar:

NM_004082.5(DCTN1):c.2136T>C (p.Asp712=)

Gene: DCTN1 (dynactin subunit 1; minus strand). Cytogenetic location: 2p13.1.
Variant type: single nucleotide variant.
Coding change: c.2136T>C on transcript NM_004082.5 (MANE Select); coding-DNA position 2136, T replaced by C.
Protein change: p.Asp712=; no amino-acid change (aspartic acid 712 retained).
Molecular consequence: synonymous variant. On other transcripts: non-coding transcript variant (1).
Genome position (GRCh38, 1-based): chr2:74,367,744, A>G on the plus strand (T>C on the coding strand, the complement: DCTN1 is on the minus strand). VCF-style: chr2-74367744-A-G. GRCh37 (hg19) VCF-style: chr2-74594871-A-G.
Other names: c.2076T>C, p.Asp692= (NM_001135040.3); c.1734T>C, p.Asp578= (NM_001135041.3, NM_023019.4); c.2025T>C, p.Asp675= (NM_001190836.2); c.2115T>C, p.Asp705= (NM_001190837.2); c.2085T>C, p.Asp695= (NM_001378991.1); c.2067T>C, p.Asp689= (NM_001378992.1).
Identifiers: ClinVar variation 337084 (VCV000337084.15), dbSNP rs147297927, ClinGen allele CA1721950.

ClinVar aggregate classification (germline): Benign/Likely benign. Review status: criteria provided, multiple submitters, no conflicts (2 of 4 stars). 4 submissions from 3 submitters: Benign (3); Likely benign (1). Last evaluated 2025-09-07.

Conditions:
Neuronopathy, distal hereditary motor, type 7B. Also called: HMN VIIB; LOWER MOTOR NEURON DISEASE, DYNACTIN TYPE; NEURONOPATHY, DISTAL HEREDITARY MOTOR, AUTOSOMAL DOMINANT 14; NEURONOPATHY, DISTAL HEREDITARY MOTOR, HARDING TYPE VIIB; NEUROPATHY, DISTAL HEREDITARY MOTOR, HARDING TYPE VIIB; NEUROPATHY, DISTAL HEREDITARY MOTOR, WITH VOCAL CORD PARALYSIS, HARDING TYPE VIIB. Identifiers: Orphanet 139589, MedGen C1843315, MONDO:0011879, OMIM 607641.
Amyotrophic lateral sclerosis type 1 (ALS1). Also called: AMYOTROPHIC LATERAL SCLEROSIS 1, FAMILIAL. Identifiers: Orphanet 803, MedGen C1862939, MONDO:0007103, OMIM 105400.
Perry syndrome. Also called: PARKINSONISM WITH ALVEOLAR HYPOVENTILATION AND MENTAL DEPRESSION. Identifiers: Orphanet 178509, MedGen C1868594, MONDO:0008201, OMIM 168605.
Inborn genetic diseases. Identifiers: MedGen C0950123, MeSH D030342.

Allele frequency attached by ClinVar (database versions not stated): gnomAD 0.00003 and 0.00015; TOPMed 0.00003; gnomAD exomes 0.00007 and 0.00030; ExAC 0.00010; 1000 Genomes Project 30x 0.00125; 1000 Genomes Project 0.00160.
gnomAD v4.1: 448 of 1,614,166 alleles (0.028%); highest among the groups gnomAD compares: East Asian, 0.99%; 4 homozygotes.

Submissions (4):

Labcorp Genetics (formerly Invitae), Labcorp
Classification: Benign for Amyotrophic lateral sclerosis type 1; Neuronopathy, distal hereditary motor, type 7B; Perry syndrome. Last evaluated: 2025-09-07. Review status: criteria provided, single submitter. Criteria: Invitae Variant Classification Sherloc (09022015). Collection method: clinical testing. Allele origin: germline.

Ambry Genetics
Classification: Likely benign for Inborn genetic diseases. Last evaluated: 2019-07-11. Review status: criteria provided, single submitter. Criteria: Ambry Variant Classification Scheme 2023. Collection method: clinical testing. Allele origin: germline.

Illumina Laboratory Services, Illumina
Classification: Benign for Perry syndrome. Last evaluated: 2018-01-12. Review status: criteria provided, single submitter. Criteria: ICSL Variant Classification Criteria 13 December 2019. Collection method: clinical testing. Allele origin: germline.
Comment: This variant was observed in the ICSL laboratory as part of a predisposition screen in an ostensibly healthy population. It had not been previously curated by ICSL or reported in the Human Gene Mutation Database (HGMD: prior to June 1st, 2018), and was therefore a candidate for classification through an automated scoring system. Utilizing variant allele frequency, disease prevalence and penetrance estimates, and inheritance mode, an automated score was calculated to assess if this variant is too frequent to cause the disease. Based on the score and internal cut-off values, a variant classified as benign is not then subjected to further curation. The score for this variant resulted in a classification of benign for this disease.

Illumina Laboratory Services, Illumina
Classification: Benign for Neuronopathy, distal hereditary motor, type 7B. Last evaluated: 2018-01-12. Review status: criteria provided, single submitter. Criteria: ICSL Variant Classification Criteria 13 December 2019. Collection method: clinical testing. Allele origin: germline.
Comment: the same text as in the submission from Illumina Laboratory Services, Illumina above.